The following is an entry in ClinVar:

ClinVar aggregate classification (germline): Likely benign. Review status: criteria provided, multiple submitters, no conflicts (2 of 4 stars). 2 submissions from 2 submitters: Likely benign (2). Last evaluated 2025-11-17.

Conditions:
Cortical dysplasia-focal epilepsy syndrome (PTHSL1). Also called: Pitt-Hopkins-like syndrome 1. Identifiers: Orphanet 163681, Orphanet 221150, MedGen C2750246, MONDO:0012400, OMIM 610042.

Allele frequency attached by ClinVar (database versions not stated): ExAC 0.00001; gnomAD exomes 0.00001; TOPMed 0.00002; gnomAD 0.00003 and 0.00004.
gnomAD v4.1: 17 of 1,614,104 alleles (0.0011%); highest among the groups gnomAD compares: East Asian, 0.0045%; no homozygotes.

Submissions (2):

Labcorp Genetics (formerly Invitae), Labcorp
Classification: Likely benign for Cortical dysplasia-focal epilepsy syndrome. Last evaluated: 2025-11-17. Review status: criteria provided, single submitter. Criteria: Invitae Variant Classification Sherloc (09022015). Collection method: clinical testing. Allele origin: germline.

GeneDx
Classification: Likely benign. Last evaluated: 2017-01-06. Review status: criteria provided, single submitter. Criteria: GeneDx Variant Classification (06012015). Collection method: clinical testing. Allele origin: germline. Affected: yes.
Comment: This variant is considered likely benign or benign based on one or more of the following criteria: it is a conservative change, it occurs at a poorly conserved position in the protein, it is predicted to be benign by multiple in silico algorithms, and/or has population frequency not consistent with disease.

NM_014141.6(CNTNAP2):c.2985A>G (p.Ala995=)

Genes: CNTNAP2 (contactin associated protein 2; plus strand), LOC126860216 (BRD4-independent group 4 enhancer GRCh37_chr7:147868766-147869965; plus strand). Cytogenetic location: 7q35.
Variant type: single nucleotide variant.
Coding change: c.2985A>G on transcript NM_014141.6 (MANE Select); coding-DNA position 2985, A replaced by G.
Protein change: p.Ala995=; no amino-acid change (alanine 995 retained).
Molecular consequence: synonymous variant.
Genome position (GRCh38, 1-based): chr7:148,172,453, A>G. VCF-style: chr7-148172453-A-G. GRCh37 (hg19) VCF-style: chr7-147869545-A-G.
Identifiers: ClinVar variation 380980 (VCV000380980.8), dbSNP rs768859093, ClinGen allele CA4546512.
Genomic context (GRCh38, chr7:148,172,453, plus strand): 5'-AAATGGAGGCAAATGCCTAGAGAGATACCACGGTTACTCCTGCGATTGCTCTAATACTGC[A>G]TATGATGGAACATTTTGCAACAAAGGTAAGGTGGAACCCATTTCCAGAGCCACTTTTGCG-3'
Protein context (NP_054860.1, residues 985-1005): HGYSCDCSNT[Ala995=]YDGTFCNKDV